The following is an entry in ClinVar:

ClinVar aggregate classification (germline): Uncertain significance. Review status: criteria provided, multiple submitters, no conflicts (2 of 4 stars). 2 submissions from 2 submitters: Uncertain significance (2). Last evaluated 2025-07-28.

Allele frequency attached by ClinVar (database versions not stated): gnomAD exomes below 0.00001; ExAC 0.00002; gnomAD 0.00005; TOPMed 0.00005; ESP Exome Variant Server 0.00008; 1000 Genomes Project 30x 0.00016; 1000 Genomes Project 0.00020.
gnomAD v4.1: 13 of 1,605,708 alleles (0.00081%); highest among the groups gnomAD compares: African/African-American, 0.012%; no homozygotes.

Submissions (2):

Labcorp Genetics (formerly Invitae), Labcorp
Classification: Uncertain significance. Last evaluated: 2025-07-28. Review status: criteria provided, single submitter. Criteria: Invitae Variant Classification Sherloc (09022015). Collection method: clinical testing. Allele origin: germline.
Comment: This sequence change replaces isoleucine, which is neutral and non-polar, with methionine, which is neutral and non-polar, at codon 761 of the RASA2 protein (p.Ile761Met). This variant is present in population databases (rs147862487, gnomAD 0.007%). This variant has not been reported in the literature in individuals affected with RASA2-related conditions. ClinVar contains an entry for this variant (Variation ID: 2079817). Invitae Evidence Modeling of protein sequence and biophysical properties (such as structural, functional, and spatial information, amino acid conservation, physicochemical variation, residue mobility, and thermodynamic stability) indicates that this missense variant is not expected to disrupt RASA2 protein function with a negative predictive value of 80%. In summary, the available evidence is currently insufficient to determine the role of this variant in disease. Therefore, it has been classified as a Variant of Uncertain Significance.

Ambry Genetics
Classification: Uncertain significance. Last evaluated: 2024-12-21. Review status: criteria provided, single submitter. Criteria: Ambry Variant Classification Scheme 2023. Collection method: clinical testing. Allele origin: germline.
Comment: The p.I761M variant (also known as c.2283T>G), located in coding exon 22 of the RASA2 gene, results from a T to G substitution at nucleotide position 2283. The isoleucine at codon 761 is replaced by methionine, an amino acid with highly similar properties. This amino acid position is conserved. In addition, the in silico prediction for this alteration is inconclusive. Based on the available evidence, the clinical significance of this variant remains unclear.

NM_006506.5(RASA2):c.2283T>G (p.Ile761Met)

Gene: RASA2 (RAS p21 protein activator 2; plus strand). Cytogenetic location: 3q23.
Variant type: single nucleotide variant.
Coding change: c.2283T>G on transcript NM_006506.5 (MANE Select); coding-DNA position 2283, T replaced by G.
Protein change: p.Ile761Met; replaces isoleucine 761 with methionine.
Molecular consequence: missense variant.
Genome position (GRCh38, 1-based): chr3:141,609,477, T>G. VCF-style: chr3-141609477-T-G. GRCh37 (hg19) VCF-style: chr3-141328319-T-G.
Other names: c.2286T>G, p.Ile762Met (NM_001303245.3); c.2295T>G, p.Ile765Met (NM_001303246.3); c.2283T>G (NM_006506.2); short protein forms I761M, I762M, I765M.
Identifiers: ClinVar variation 2079817 (VCV002079817.5), dbSNP rs147862487, ClinGen allele CA2645800.